The following is an entry in ClinVar:

ClinVar aggregate classification (germline): Uncertain significance (1 of 4 stars; one submission).

Conditions:
PCNT-related disorder. Also called: PCNT-related condition.

gnomAD v4.1: 10 of 1,614,072 alleles (0.00062%); highest among the groups gnomAD compares: Non-Finnish European, 0.00085%; no homozygotes.

Submission:

PreventionGenetics, part of Exact Sciences
Classification: Uncertain significance for PCNT-related condition. Last evaluated: 2025-01-30. Review status: criteria provided, single submitter. Criteria: ACMG Guidelines, 2015. Collection method: clinical testing. Allele origin: germline.
Comment: The PCNT c.8090A>G variant is predicted to result in the amino acid substitution p.Gln2697Arg. To our knowledge, this variant has not been reported in the literature or in a large population database (gnomAD), indicating this variant is rare. At this time, the clinical significance of this variant is uncertain due to the absence of conclusive functional and genetic evidence.

NM_006031.6(PCNT):c.8090A>G (p.Gln2697Arg)

Gene: PCNT (pericentrin; plus strand). Cytogenetic location: 21q22.3.
Variant type: single nucleotide variant.
Coding change: c.8090A>G on transcript NM_006031.6 (MANE Select); coding-DNA position 8090, A replaced by G.
Protein change: p.Gln2697Arg; replaces glutamine 2697 with arginine.
Molecular consequence: missense variant.
Genome position (GRCh38, 1-based): chr21:46,431,554, A>G. VCF-style: chr21-46431554-A-G. GRCh37 (hg19) VCF-style: chr21-47851468-A-G.
Other names: c.7736A>G, p.Gln2579Arg (NM_001315529.2); short protein forms Q2697R, Q2579R.
Identifiers: ClinVar variation 5000921 (VCV005000921.1).